The following is an entry in ClinVar:

ClinVar aggregate classification (germline): Uncertain significance (1 of 4 stars; one submission).

gnomAD v4.1: 27 of 1,612,668 alleles (0.0017%); highest among the groups gnomAD compares: South Asian, 0.0033%; no homozygotes.

Submission:

Labcorp Genetics (formerly Invitae), Labcorp
Classification: Uncertain significance. Last evaluated: 2025-03-14. Review status: criteria provided, single submitter. Criteria: Invitae Variant Classification Sherloc (09022015). Collection method: clinical testing. Allele origin: germline.
Comment: This sequence change replaces aspartic acid, which is acidic and polar, with asparagine, which is neutral and polar, at codon 253 of the ST14 protein (p.Asp253Asn). This variant is present in population databases (rs760337264, gnomAD 0.003%). This variant has not been reported in the literature in individuals affected with ST14-related conditions. Invitae Evidence Modeling of protein sequence and biophysical properties (such as structural, functional, and spatial information, amino acid conservation, physicochemical variation, residue mobility, and thermodynamic stability) indicates that this missense variant is not expected to disrupt ST14 protein function with a negative predictive value of 80%. In summary, the available evidence is currently insufficient to determine the role of this variant in disease. Therefore, it has been classified as a Variant of Uncertain Significance.

NM_021978.4(ST14):c.757G>A (p.Asp253Asn)

Gene: ST14 (ST14 transmembrane serine protease matriptase; plus strand). Cytogenetic location: 11q24.3.
Variant type: single nucleotide variant.
Coding change: c.757G>A on transcript NM_021978.4 (MANE Select); coding-DNA position 757, G replaced by A.
Protein change: p.Asp253Asn; replaces aspartic acid 253 with asparagine.
Molecular consequence: missense variant.
Genome position (GRCh38, 1-based): chr11:130,190,576, G>A. VCF-style: chr11-130190576-G-A. GRCh37 (hg19) VCF-style: chr11-130060471-G-A.
Other names: short protein forms D253N.
Identifiers: ClinVar variation 3710169 (VCV003710169.2).